The following is an entry in ClinVar:

ClinVar aggregate classification (germline): Uncertain significance (1 of 4 stars; one submission).

Allele frequency attached by ClinVar (database versions not stated): gnomAD exomes below 0.00001; TOPMed below 0.00001; ExAC 0.00001; gnomAD 0.00001; ESP Exome Variant Server 0.00008.
gnomAD v4.1: 5 of 1,613,870 alleles (0.00031%); highest among the groups gnomAD compares: Non-Finnish European, 0.00042%; no homozygotes.

Submission:

Ambry Genetics
Classification: Uncertain significance. Last evaluated: 2024-02-12. Review status: criteria provided, single submitter. Criteria: Ambry Variant Classification Scheme 2023. Collection method: clinical testing. Allele origin: germline.
Comment: The p.G552E variant (also known as c.1655G>A), located in coding exon 9 of the PALLD gene, results from a G to A substitution at nucleotide position 1655. The glycine at codon 552 is replaced by glutamic acid, an amino acid with similar properties. This amino acid position is conserved. In addition, this alteration is predicted to be tolerated by in silico analysis. Based on the available evidence, the clinical significance of this alteration remains unclear.

NM_001166108.2(PALLD):c.1655G>A (p.Gly552Glu)

Gene: PALLD (palladin, cytoskeletal associated protein; plus strand). Cytogenetic location: 4q32.3.
Variant type: single nucleotide variant.
Coding change: c.1655G>A on transcript NM_001166108.2 (MANE Select); coding-DNA position 1655, G replaced by A.
Protein change: p.Gly552Glu; replaces glycine 552 with glutamic acid.
Molecular consequence: missense variant.
Genome position (GRCh38, 1-based): chr4:168,711,614, G>A. VCF-style: chr4-168711614-G-A. GRCh37 (hg19) VCF-style: chr4-169632765-G-A.
Other names: c.509G>A, p.Gly170Glu (NM_001166109.2); c.1655G>A, p.Gly552Glu (NM_016081.4); short protein forms G170E, G552E.
Identifiers: ClinVar variation 3226750 (VCV003226750.1), dbSNP rs374321216, ClinGen allele CA3135707.